The following is an entry in ClinVar:

NM_000161.3(GCH1):c.626+2T>C

Gene: GCH1 (GTP cyclohydrolase 1; minus strand). Cytogenetic location: 14q22.2.
Variant type: single nucleotide variant.
Coding change: c.626+2T>C on transcript NM_000161.3 (MANE Select); the canonical splice donor site of the intron after coding-DNA position 626, T replaced by C.
Molecular consequence: splice donor variant.
Genome position (GRCh38, 1-based): chr14:54,845,766, A>G on the plus strand (T>C on the coding strand, the complement: GCH1 is on the minus strand). VCF-style: chr14-54845766-A-G. GRCh37 (hg19) VCF-style: chr14-55312484-A-G.
Other names: c.626+2T>C (NM_001024071.2, NM_001024070.2, NM_001024024.2).
Identifiers: ClinVar variation 2135851 (VCV002135851.4), dbSNP rs2504342839, ClinGen allele CA389787255.
Genomic context (GRCh38, chr14:54,845,766, plus strand): 5'-TAAATAGCAAGATCACTTCTAGTGCACCATTATGACGTTACTAAAGGCAGATGCAGACTT[A>G]CGTTGCTTCAACCACTACCCCGACTCCAGCAGGCCGCAAGGCTTCCGTGATTGCTACAGC-3'

ClinVar aggregate classification (germline): Pathogenic (1 of 4 stars; one submission).

Conditions:
Dystonia 5 (DRD). Also called: GTP Cyclohydrolase 1-Deficient Dopa-Responsive Dystonia; Dystonia, DOPA-responsive, with or without hyperphenylalaninemia; DYT-GCH1; DYSTONIA, PROGRESSIVE, WITH DIURNAL VARIATION; DYSTONIA-PARKINSONISM WITH DIURNAL FLUCTUATION. Identifiers: Orphanet 98808, MedGen C1851920, MONDO:0007495, OMIM 128230.
GTP cyclohydrolase I deficiency. Identifiers: MedGen C0268467, MONDO:0100184.

Submission:

Labcorp Genetics (formerly Invitae), Labcorp
Classification: Pathogenic for GTP cyclohydrolase I deficiency; Dystonia 5. Last evaluated: 2022-05-09. Review status: criteria provided, single submitter. Criteria: Invitae Variant Classification Sherloc (09022015). Collection method: clinical testing. Allele origin: germline.
Comment: This sequence change affects a donor splice site in intron 5 of the GCH1 gene. RNA analysis indicates that disruption of this splice site induces altered splicing and likely disrupts the C-terminus of the protein. This variant is not present in population databases (gnomAD no frequency). For these reasons, this variant has been classified as Pathogenic. Variants that disrupt the consensus splice site are a relatively common cause of aberrant splicing (PMID: 17576681, 9536098). Studies have shown that disruption of this splice site results in skipping of exon 5 and introduces a new termination codon and introduces a new termination codon (PMID: 9749603). However the mRNA is not expected to undergo nonsense-mediated decay. Disruption of this splice site has been observed in individuals with dystonia (PMID: 9749603, 15303002, 19491146, 28958832).

Literature cited by the submitters: PubMed 17576681; PubMed 9536098; PubMed 9749603; PubMed 15303002; PubMed 19491146; PubMed 28958832.